The following is an entry in ClinVar:

ClinVar aggregate classification (germline): Likely benign (1 of 4 stars; one submission).

Allele frequency attached by ClinVar (database versions not stated): gnomAD 0.00013; TOPMed 0.00014; ExAC 0.00030; ESP Exome Variant Server 0.00041.

Submission:

CeGaT Center for Human Genetics Tuebingen
Classification: Likely benign. Last evaluated: 2022-11-01. Review status: criteria provided, single submitter. Criteria: CeGaT Center For Human Genetics Tuebingen Variant Classification Criteria Version 2. Collection method: clinical testing. Allele origin: germline. Affected: yes. Observed: 1 variant allele.
Comment: MUC16: BP4, BP7

NM_001401501.2(MUC16):c.19689G>A (p.Pro6563=)

Gene: MUC16 (mucin 16, cell surface associated; minus strand). Cytogenetic location: 19p13.2.
Variant type: single nucleotide variant.
Coding change: c.19689G>A on transcript NM_001401501.2 (MANE Select); coding-DNA position 19689, G replaced by A.
Protein change: p.Pro6563=; no amino-acid change (proline 6563 retained).
Molecular consequence: synonymous variant.
Genome position (GRCh38, 1-based): chr19:8,957,201, C>T on the plus strand (G>A on the coding strand, the complement: MUC16 is on the minus strand). VCF-style: chr19-8957201-C-T. GRCh37 (hg19) VCF-style: chr19-9067877-C-T.
Other names: c.20115G>A, p.Pro6705= (NM_001414686.1); c.19569G>A, p.Pro6523= (NM_001414687.1, NM_024690.2).
Identifiers: ClinVar variation 2649248 (VCV002649248.24), dbSNP rs367710248, ClinGen allele CA9169459.